The following is an entry in ClinVar:

NM_014264.5(PLK4):c.52C>T (p.Leu18Phe)

Gene: PLK4 (polo like kinase 4; plus strand). Cytogenetic location: 4q28.1.
Variant type: single nucleotide variant.
Coding change: c.52C>T on transcript NM_014264.5 (MANE Select); coding-DNA position 52, C replaced by T.
Protein change: p.Leu18Phe; replaces leucine 18 with phenylalanine.
Molecular consequence: missense variant. On other transcripts: 5 prime UTR variant (1).
Genome position (GRCh38, 1-based): chr4:127,881,852, C>T. VCF-style: chr4-127881852-C-T. GRCh37 (hg19) VCF-style: chr4-128803007-C-T.
Other names: c.52C>T, p.Leu18Phe (NM_001190799.2); c.-72C>T (NM_001190801.2); short protein forms L18F.
Identifiers: ClinVar variation 1506822 (VCV001506822.5), dbSNP rs751605196, ClinGen allele CA358167077.

ClinVar aggregate classification (germline): Uncertain significance (1 of 4 stars; one submission).

Submission:

Labcorp Genetics (formerly Invitae), Labcorp
Classification: Uncertain significance. Last evaluated: 2021-11-20. Review status: criteria provided, single submitter. Criteria: Invitae Variant Classification Sherloc (09022015). Collection method: clinical testing. Allele origin: germline.
Comment: This sequence change replaces leucine, which is neutral and non-polar, with phenylalanine, which is neutral and non-polar, at codon 18 of the PLK4 protein (p.Leu18Phe). This variant is not present in population databases (gnomAD no frequency). This variant has not been reported in the literature in individuals affected with PLK4-related conditions. Algorithms developed to predict the effect of missense changes on protein structure and function are either unavailable or do not agree on the potential impact of this missense change (SIFT: "Deleterious"; PolyPhen-2: "Probably Damaging"; Align-GVGD: "Class C15"). In summary, the available evidence is currently insufficient to determine the role of this variant in disease. Therefore, it has been classified as a Variant of Uncertain Significance.